The following is an entry in ClinVar:

NM_006767.4(LZTR1):c.1636C>T (p.Leu546Phe)

Gene: LZTR1 (leucine zipper like post translational regulator 1; plus strand). Cytogenetic location: 22q11.21.
Variant type: single nucleotide variant.
Coding change: c.1636C>T on transcript NM_006767.4 (MANE Select); coding-DNA position 1636, C replaced by T.
Protein change: p.Leu546Phe; replaces leucine 546 with phenylalanine.
Molecular consequence: missense variant.
Genome position (GRCh38, 1-based): chr22:20,994,578, C>T. VCF-style: chr22-20994578-C-T. GRCh37 (hg19) VCF-style: chr22-21348867-C-T.
Other names: short protein forms L546F.
Identifiers: ClinVar variation 1722205 (VCV001722205.5), dbSNP rs2518621659, ClinGen allele CA410776557.
Genomic context (GRCh38, chr22:20,994,578, plus strand): 5'-CCTCTCCGGCTCCCTGAGATTCGGGGGCTCTGGGGCGCAGGCCATGTGGAGGATGTGCTG[C>T]TCATCATGGATGTGTACAAACTGGCACTGAGCTTCCAGTTGTGCCGCCTGGAGCAGCTGT-3'
Protein context (NP_006758.2, residues 536-556): PRKGHVEDVL[Leu546Phe]IMDVYKLALS

ClinVar aggregate classification (germline): Uncertain significance (1 of 4 stars; one submission).

Submission:

Labcorp Genetics (formerly Invitae), Labcorp
Classification: Uncertain significance. Last evaluated: 2025-11-01. Review status: criteria provided, single submitter. Criteria: Invitae Variant Classification Sherloc (09022015). Collection method: clinical testing. Allele origin: germline.
Comment: This sequence change replaces leucine, which is neutral and non-polar, with phenylalanine, which is neutral and non-polar, at codon 546 of the LZTR1 protein (p.Leu546Phe). This variant is not present in population databases (gnomAD no frequency). This variant has not been reported in the literature in individuals affected with LZTR1-related conditions. ClinVar contains an entry for this variant (Variation ID: 1722205). Invitae Evidence Modeling of protein sequence and biophysical properties (such as structural, functional, and spatial information, amino acid conservation, physicochemical variation, residue mobility, and thermodynamic stability) indicates that this missense variant is not expected to disrupt LZTR1 protein function with a negative predictive value of 80%. In summary, the available evidence is currently insufficient to determine the role of this variant in disease. Therefore, it has been classified as a Variant of Uncertain Significance.